The following is an entry in ClinVar:

ClinVar aggregate classification (germline): Pathogenic (1 of 4 stars; one submission).

Conditions:
Alport syndrome. Also called: Hemorrhagic familial nephritis; Hemorrhagic hereditary nephritis; Congenital hereditary hematuria. Identifiers: Orphanet 63, MedGen C1567741, MONDO:0018965.

Submission:

Myriad Genetics, Inc.
Classification: Pathogenic for Alport syndrome. Last evaluated: 2023-09-27. Review status: criteria provided, single submitter. Criteria: Myriad Autosomal Dominant, Autosomal Recessive and X-Linked Classification Criteria (2023). Collection method: clinical testing. Allele origin: unknown.
Comment: NM_000091.4(COL4A3):c.1161dupG(P388Afs*16) is expected to be pathogenic in the context of Alport syndrome, COL4A3-related. This variant is predicted to lead to an abnormal or absent protein product due to the creation of a premature termination codon in COL4A3, a gene where loss-of-function variants are known to be pathogenic. Please note: this variant was assessed in the context of healthy population screening.

NM_000091.5(COL4A3):c.1161dup (p.Pro388fs)

Genes: COL4A3 (collagen type IV alpha 3 chain; plus strand), MFF-DT (MFF divergent transcript; minus strand). Cytogenetic location: 2q36.3.
Variant type: Duplication.
Coding change: c.1161dup on transcript NM_000091.5 (MANE Select); coding-DNA position 1161, one base duplicated (G; older notation c.1161dupG).
Protein change: p.Pro388fs; shifts the reading frame from proline 388.
Molecular consequence: frameshift variant.
Genome position (GRCh38, 1-based): chr2:227,263,790, G duplicated; the last of 2 consecutive G bases (chr2:227,263,789-227,263,790); duplicating either gives the same sequence. VCF-style (leftmost placement, unchanged base first): chr2-227263788-A-AG. GRCh37 (hg19) VCF-style: chr2-228128504-A-AG.
Other names: short protein forms P388fs.
Identifiers: ClinVar variation 5011899 (VCV005011899.1).